The following is an entry in ClinVar:

ClinVar aggregate classification (germline): Uncertain significance (1 of 4 stars; one submission).

Conditions:
Cernunnos-XLF deficiency (IMD124). Also called: Severe combined immunodeficiency with sensitivity to ionizing radiation due to NHEJ1 deficiency; SCID, autosomal recessive, T cell-negative, B cell-negative, NK cell-positive, and sensitivity to ionizing radiation due to NHEJ1 deficiency; IMMUNODEFICIENCY 124, SEVERE COMBINED; NHEJ1 SYNDROME; SCID, AUTOSOMAL RECESSIVE, T CELL-NEGATIVE, B CELL-NEGATIVE, NK CELL-POSITIVE, WITH MICROCEPHALY, GROWTH RETARDATION, AND SENSITIVITY TO IONIZING RADIATION. Identifiers: Orphanet 169079, MedGen C1969799, MONDO:0012650, OMIM 611291.

Allele frequency attached by ClinVar (database versions not stated): gnomAD exomes below 0.00001 and 0.00001; ExAC 0.00002; TOPMed 0.00004; gnomAD 0.00005; ESP Exome Variant Server 0.00008.

Submission:

Labcorp Genetics (formerly Invitae), Labcorp
Classification: Uncertain significance for Cernunnos-XLF deficiency. Last evaluated: 2021-08-26. Review status: criteria provided, single submitter. Criteria: Invitae Variant Classification Sherloc (09022015). Collection method: clinical testing. Allele origin: germline.
Comment: This sequence change replaces serine with asparagine at codon 299 of the NHEJ1 protein (p.Ser299Asn). The serine residue is moderately conserved and there is a small physicochemical difference between serine and asparagine. This variant is present in population databases (rs370636072, ExAC 0.02%). This variant has not been reported in the literature in individuals affected with NHEJ1-related conditions. Algorithms developed to predict the effect of missense changes on protein structure and function output the following: SIFT: "Tolerated"; PolyPhen-2: "Benign"; Align-GVGD: "Class C0". The asparagine amino acid residue is found in multiple mammalian species, which suggests that this missense change does not adversely affect protein function. In summary, the available evidence is currently insufficient to determine the role of this variant in disease. Therefore, it has been classified as a Variant of Uncertain Significance.

NM_024782.3(NHEJ1):c.896G>A (p.Ser299Asn)

Gene: NHEJ1 (non-homologous end joining factor 1; minus strand). Cytogenetic location: 2q35.
Variant type: single nucleotide variant.
Coding change: c.896G>A on transcript NM_024782.3 (MANE Select); coding-DNA position 896, G replaced by A.
Protein change: p.Ser299Asn; replaces serine 299 with asparagine.
Molecular consequence: missense variant. On other transcripts: non-coding transcript variant (1).
Genome position (GRCh38, 1-based): chr2:219,076,385, C>T on the plus strand (G>A on the coding strand, the complement: NHEJ1 is on the minus strand). VCF-style: chr2-219076385-C-T. GRCh37 (hg19) VCF-style: chr2-219941107-C-T.
Other names: c.896G>A, p.Ser299Asn (NM_001377498.1); c.911G>A, p.Ser304Asn (NM_001377499.1); short protein forms S299N, S304N.
Identifiers: ClinVar variation 1007398 (VCV001007398.6), dbSNP rs370636072, ClinGen allele CA2116815.